The following is an entry in ClinVar:

NM_000088.4(COL1A1):c.597dup (p.Gly200fs)

Gene: COL1A1 (collagen type I alpha 1 chain; minus strand). Cytogenetic location: 17q21.33.
Variant type: Duplication.
Coding change: c.597dup on transcript NM_000088.4 (MANE Select); coding-DNA position 597, one base duplicated (A; older notation c.597dupA).
Protein change: p.Gly200fs; shifts the reading frame from glycine 200.
Molecular consequence: frameshift variant.
Genome position (GRCh38, 1-based): chr17:50,197,994, T duplicated on the plus strand (A on the coding strand, the reverse complement: COL1A1 is on the minus strand); the first of 2 consecutive T bases (chr17:50,197,994-50,197,995); duplicating either gives the same sequence. VCF-style (leftmost placement, unchanged base first): chr17-50197993-C-CT. GRCh37 (hg19) VCF-style: chr17-48275354-C-CT.
Other names: short protein forms G200fs.
Identifiers: ClinVar variation 1455644 (VCV001455644.6), dbSNP rs2144587059, ClinGen allele CA2573154226.

ClinVar aggregate classification (germline): Pathogenic (1 of 4 stars; one submission).

Conditions:
Osteogenesis imperfecta type I (OI1). Also called: Lobstein disease; Classic Non-deforming Osteogenesis Imperfecta with Blue Sclerae; OI, TYPE I; OSTEOGENESIS IMPERFECTA TARDA; OSTEOGENESIS IMPERFECTA WITH BLUE SCLERAE; Osteogenesis imperfecta type 1. Identifiers: Orphanet 216796, Orphanet 666, MedGen C0023931, MONDO:0008146, OMIM 166200. Disease mechanism: loss of function.

Submission:

Labcorp Genetics (formerly Invitae), Labcorp
Classification: Pathogenic for Osteogenesis imperfecta type I. Last evaluated: 2025-11-19. Review status: criteria provided, single submitter. Criteria: Invitae Variant Classification Sherloc (09022015). Collection method: clinical testing. Allele origin: germline.
Comment: This sequence change creates a premature translational stop signal (p.Gly200Argfs*8) in the COL1A1 gene. It is expected to result in an absent or disrupted protein product. Loss-of-function variants in COL1A1 are known to be pathogenic (PMID: 7942841, 9295084, 9443882). This variant is not present in population databases (gnomAD no frequency). This variant has not been reported in the literature in individuals affected with COL1A1-related conditions. ClinVar contains an entry for this variant (Variation ID: 1455644). For these reasons, this variant has been classified as Pathogenic.

Literature cited by the submitters: PubMed 7942841; PubMed 9295084; PubMed 9443882.